The following is an entry in ClinVar:

NM_005883.3(APC2):c.4741T>C (p.Ser1581Pro)

Gene: APC2 (APC regulator of Wnt signaling pathway 2; plus strand). Cytogenetic location: 19p13.3.
Variant type: single nucleotide variant.
Coding change: c.4741T>C on transcript NM_005883.3 (MANE Select); coding-DNA position 4741, T replaced by C.
Protein change: p.Ser1581Pro; replaces serine 1581 with proline.
Molecular consequence: missense variant.
Genome position (GRCh38, 1-based): chr19:1,468,042, T>C. VCF-style: chr19-1468042-T-C. GRCh37 (hg19) VCF-style: chr19-1468041-T-C.
Other names: c.4738T>C, p.Ser1580Pro (NM_001351273.1); short protein forms S1580P, S1581P.
Identifiers: ClinVar variation 1707065 (VCV001707065.3), dbSNP rs1490906589, ClinGen allele CA403037904.

ClinVar aggregate classification (germline): Uncertain significance. Review status: criteria provided, multiple submitters, no conflicts (2 of 4 stars). 2 submissions from 2 submitters: Uncertain significance (2). Last evaluated 2025-08-10.

Conditions:
Inborn genetic diseases. Identifiers: MedGen C0950123, MeSH D030342.

Allele frequency attached by ClinVar (database versions not stated): gnomAD 0.00001; gnomAD exomes 0.00001; TOPMed 0.00001.
gnomAD v4.1: 8 of 1,579,146 alleles (0.00051%); highest among the groups gnomAD compares: Non-Finnish European, 0.00068%; no homozygotes.

Submissions (2):

Ambry Genetics
Classification: Uncertain significance for Inborn genetic diseases. Last evaluated: 2025-08-10. Review status: criteria provided, single submitter. Criteria: Ambry Variant Classification Scheme 2023. Collection method: clinical testing. Allele origin: germline.

GeneDx
Classification: Uncertain significance. Last evaluated: 2022-03-23. Review status: criteria provided, single submitter. Criteria: GeneDx Variant Classification Process June 2021. Collection method: clinical testing. Allele origin: germline. Affected: yes.
Comment: Not observed at significant frequency in large population cohorts (gnomAD); In silico analysis supports that this missense variant has a deleterious effect on protein structure/function; Has not been previously published as pathogenic or benign to our knowledge